The following is an entry in ClinVar:

ClinVar aggregate classification (germline): Uncertain significance (1 of 4 stars; one submission).

gnomAD v4.1: 5 of 1,562,394 alleles (0.00032%); highest among the groups gnomAD compares: Admixed American, 0.0038%; no homozygotes.

Submission:

Ambry Genetics
Classification: Uncertain significance. Last evaluated: 2025-01-16. Review status: criteria provided, single submitter. Criteria: Ambry Variant Classification Scheme 2023. Collection method: clinical testing. Allele origin: germline.
Comment: The p.T1949I variant (also known as c.5846C>T), located in coding exon 23 of the WNK2 gene, results from a C to T substitution at nucleotide position 5846. The threonine at codon 1949 is replaced by isoleucine, an amino acid with similar properties. This amino acid position is conserved. In addition, this alteration is predicted to be tolerated by in silico analysis. Based on the available evidence, the clinical significance of this variant remains unclear.

NM_006648.4(WNK2):c.5846C>T (p.Thr1949Ile)

Gene: WNK2 (WNK lysine deficient protein kinase 2; plus strand). Cytogenetic location: 9q22.31.
Variant type: single nucleotide variant.
Coding change: c.5846C>T on transcript NM_006648.4 (MANE Select); coding-DNA position 5846, C replaced by T.
Protein change: p.Thr1949Ile; replaces threonine 1949 with isoleucine.
Molecular consequence: missense variant.
Genome position (GRCh38, 1-based): chr9:93,297,990, C>T. VCF-style: chr9-93297990-C-T. GRCh37 (hg19) VCF-style: chr9-96060272-C-T.
Other names: c.5957C>T, p.Thr1986Ile (NM_001282394.3); short protein forms T1949I, T1986I.
Identifiers: ClinVar variation 3816849 (VCV003816849.1).
Genomic context (GRCh38, chr9:93,297,990, plus strand): 5'-CACTGCCCCCCAACGTGGGCTTCTTCCACACGGCACCCCCCACTGGCCGCCGGAGAAAAA[C>T]CAGCAAGAGCAAGCTGAAGGCAGGCAAGCTGCTAAATCCCCTGGTGCGGCAGCTCAAGGT-3'
Protein context (NP_006639.3, residues 1939-1959): TAPPTGRRRK[Thr1949Ile]SKSKLKAGKL